The following is an entry in ClinVar:

ClinVar aggregate classification (germline): Uncertain significance. Review status: criteria provided, multiple submitters, no conflicts (2 of 4 stars). 2 submissions from 2 submitters: Uncertain significance (2). Last evaluated 2025-08-19.

Conditions:
Cardiovascular phenotype. Identifiers: MedGen CN230736.
Dilated cardiomyopathy 1W (CMD1W). Identifiers: Orphanet 154, MedGen C1969639, MONDO:0012667, OMIM 611407.

Allele frequency attached by ClinVar (database versions not stated): TOPMed below 0.00001; gnomAD 0.00001.
gnomAD v4.1: 2 of 1,613,942 alleles (0.00012%); highest among the groups gnomAD compares: African/African-American, 0.0027%; no homozygotes.

Submissions (2):

Ambry Genetics
Classification: Uncertain significance for Cardiovascular phenotype. Last evaluated: 2025-08-19. Review status: criteria provided, single submitter. Criteria: Ambry Variant Classification Scheme 2023. Collection method: clinical testing. Allele origin: germline.
Comment: The p.D127E variant (also known as c.381T>A), located in coding exon 3 of the VCL gene, results from a T to A substitution at nucleotide position 381. The aspartic acid at codon 127 is replaced by glutamic acid, an amino acid with highly similar properties. This amino acid position is conserved. In addition, this alteration is predicted to be deleterious by in silico analysis. Based on the available evidence, the clinical significance of this variant remains unclear.

Labcorp Genetics (formerly Invitae), Labcorp
Classification: Uncertain significance for Dilated cardiomyopathy 1W. Last evaluated: 2023-03-04. Review status: criteria provided, single submitter. Criteria: Invitae Variant Classification Sherloc (09022015). Collection method: clinical testing. Allele origin: germline.
Comment: This variant is not present in population databases (gnomAD no frequency). This sequence change replaces aspartic acid, which is acidic and polar, with glutamic acid, which is acidic and polar, at codon 127 of the VCL protein (p.Asp127Glu). This variant has not been reported in the literature in individuals affected with VCL-related conditions. ClinVar contains an entry for this variant (Variation ID: 1922080). An algorithm developed to predict the effect of missense changes on protein structure and function (PolyPhen-2) suggests that this variant is likely to be disruptive. In summary, the available evidence is currently insufficient to determine the role of this variant in disease. Therefore, it has been classified as a Variant of Uncertain Significance.

NM_014000.3(VCL):c.381T>A (p.Asp127Glu)

Gene: VCL (vinculin; plus strand). Cytogenetic location: 10q22.2.
Variant type: single nucleotide variant.
Coding change: c.381T>A on transcript NM_014000.3 (MANE Select); coding-DNA position 381, T replaced by A.
Protein change: p.Asp127Glu; replaces aspartic acid 127 with glutamic acid.
Molecular consequence: missense variant.
Genome position (GRCh38, 1-based): chr10:74,070,811, T>A. VCF-style: chr10-74070811-T-A. GRCh37 (hg19) VCF-style: chr10-75830569-T-A.
Other names: c.381T>A, p.Asp127Glu (NM_003373.4); short protein forms D127E.
Identifiers: ClinVar variation 1922080 (VCV001922080.6), dbSNP rs988276832, ClinGen allele CA377266116.